The following is an entry in ClinVar:

NM_013328.4(PYCR2):c.643A>G (p.Lys215Glu)

Gene: PYCR2 (pyrroline-5-carboxylate reductase 2; minus strand). Cytogenetic location: 1q42.12.
Variant type: single nucleotide variant.
Coding change: c.643A>G on transcript NM_013328.4 (MANE Select); coding-DNA position 643, A replaced by G.
Protein change: p.Lys215Glu; replaces lysine 215 with glutamic acid.
Molecular consequence: missense variant.
Genome position (GRCh38, 1-based): chr1:225,921,362, T>C on the plus strand (A>G on the coding strand, the complement: PYCR2 is on the minus strand). VCF-style: chr1-225921362-T-C. GRCh37 (hg19) VCF-style: chr1-226109062-T-C.
Other names: c.421A>G, p.Lys141Glu (NM_001271681.2); short protein forms K141E, K215E.
Identifiers: ClinVar variation 1718967 (VCV001718967.5), dbSNP rs2465056335, ClinGen allele CA345005210.

ClinVar aggregate classification (germline): Uncertain significance (1 of 4 stars; one submission).

Submission:

Labcorp Genetics (formerly Invitae), Labcorp
Classification: Uncertain significance. Last evaluated: 2022-07-19. Review status: criteria provided, single submitter. Criteria: Invitae Variant Classification Sherloc (09022015). Collection method: clinical testing. Allele origin: germline.
Comment: This sequence change replaces lysine, which is basic and polar, with glutamic acid, which is acidic and polar, at codon 215 of the PYCR2 protein (p.Lys215Glu). This variant is not present in population databases (gnomAD no frequency). This variant has not been reported in the literature in individuals affected with PYCR2-related conditions. Algorithms developed to predict the effect of missense changes on protein structure and function are either unavailable or do not agree on the potential impact of this missense change (SIFT: "Deleterious"; PolyPhen-2: "Possibly Damaging"; Align-GVGD: "Class C0"). In summary, the available evidence is currently insufficient to determine the role of this variant in disease. Therefore, it has been classified as a Variant of Uncertain Significance.